The following is an entry in ClinVar:

ClinVar aggregate classification (germline): Likely pathogenic (1 of 4 stars; one submission).

Conditions:
Junctional epidermolysis bullosa gravis of Herlitz. Also called: Herlitz-type junctional epidermolysis bullosa; Epidermolysis Bullosa Letalis; EPIDERMOLYSIS BULLOSA, JUNCTIONAL 1B, SEVERE; EPIDERMOLYSIS BULLOSA JUNCTIONALIS, HERLITZ TYPE; EPIDERMOLYSIS BULLOSA, JUNCTIONAL, HERLITZ-PEARSON TYPE; JEB-HERLITZ TYPE. Identifiers: Orphanet 79404, MedGen C0079683, MONDO:0009182, OMIM 226700.

Submission:

Myriad Genetics, Inc.
Classification: Likely pathogenic for Junctional epidermolysis bullosa gravis of Herlitz. Last evaluated: 2020-01-10. Review status: criteria provided, single submitter. Criteria: Myriad Women's Health Autosomal Recessive and X-Linked Classification Criteria (2019). Collection method: clinical testing. Allele origin: unknown.
Comment: NM_000228.2(LAMB3):c.1510G>T(E504*) is expected to be pathogenic in the context of Herlitz junctional epidermolysis bullosa, LAMB3-related. This variant is predicted to lead to an abnormal or absent protein product due to the creation of a premature termination codon in LAMB3, a gene where loss-of-function variants are known to be pathogenic. Please note: this variant was assessed in the context of healthy population screening.

NM_000228.3(LAMB3):c.1510G>T (p.Glu504Ter)

Gene: LAMB3 (laminin subunit beta 3; minus strand). Cytogenetic location: 1q32.2.
Variant type: single nucleotide variant.
Coding change: c.1510G>T on transcript NM_000228.3 (MANE Select); coding-DNA position 1510, G replaced by T.
Protein change: p.Glu504Ter; replaces glutamic acid 504 with a stop codon.
Molecular consequence: nonsense.
Genome position (GRCh38, 1-based): chr1:209,626,954, C>A on the plus strand (G>T on the coding strand, the complement: LAMB3 is on the minus strand). VCF-style: chr1-209626954-C-A. GRCh37 (hg19) VCF-style: chr1-209800299-C-A.
Other names: c.1510G>T, p.Glu504Ter (NM_001017402.2, NM_001127641.1); short protein forms E504*.
Identifiers: ClinVar variation 983939 (VCV000983939.3), dbSNP rs1666482613, ClinGen allele CA344590221.